The following is an entry in ClinVar:

NM_001386140.1(MTTP):c.2350G>T (p.Val784Leu)

Gene: MTTP (microsomal triglyceride transfer protein; plus strand). Cytogenetic location: 4q23.
Variant type: single nucleotide variant.
Coding change: c.2350G>T on transcript NM_001386140.1 (MANE Select); coding-DNA position 2350, G replaced by T.
Protein change: p.Val784Leu; replaces valine 784 with leucine.
Molecular consequence: missense variant.
Genome position (GRCh38, 1-based): chr4:99,621,068, G>T. VCF-style: chr4-99621068-G-T. GRCh37 (hg19) VCF-style: chr4-100542225-G-T.
Other names: c.2350G>T, p.Val784Leu (NM_000253.4); c.2101G>T, p.Val701Leu (NM_001300785.2); short protein forms V784L, V701L.
Identifiers: ClinVar variation 1915869 (VCV001915869.5), dbSNP rs142132258, ClinGen allele CA3022352.

ClinVar aggregate classification (germline): Uncertain significance (1 of 4 stars; one submission).

Allele frequency attached by ClinVar (database versions not stated): ExAC 0.00001; gnomAD 0.00001; ESP Exome Variant Server 0.00008.
gnomAD v4.1: 1 of 1,613,862 alleles (0.000062%); highest among the groups gnomAD compares: African/African-American, 0.0013%; no homozygotes.

Submission:

Labcorp Genetics (formerly Invitae), Labcorp
Classification: Uncertain significance. Last evaluated: 2024-12-16. Review status: criteria provided, single submitter. Criteria: Invitae Variant Classification Sherloc (09022015). Collection method: clinical testing. Allele origin: germline.
Comment: This sequence change replaces valine, which is neutral and non-polar, with leucine, which is neutral and non-polar, at codon 784 of the MTTP protein (p.Val784Leu). This variant is not present in population databases (gnomAD no frequency). This variant has not been reported in the literature in individuals affected with MTTP-related conditions. ClinVar contains an entry for this variant (Variation ID: 1915869). Invitae Evidence Modeling of protein sequence and biophysical properties (such as structural, functional, and spatial information, amino acid conservation, physicochemical variation, residue mobility, and thermodynamic stability) indicates that this missense variant is not expected to disrupt MTTP protein function with a negative predictive value of 80%. In summary, the available evidence is currently insufficient to determine the role of this variant in disease. Therefore, it has been classified as a Variant of Uncertain Significance.